The following is an entry in ClinVar:

NM_014334.4(FRRS1L):c.300_301del (p.Cys100fs)

Gene: FRRS1L (ferric chelate reductase 1 like; minus strand). Cytogenetic location: 9q31.3.
Variant type: Microsatellite.
Coding change: c.300_301del on transcript NM_014334.4 (MANE Select); coding-DNA positions 300 to 301, 2 bases deleted (TG; older notation c.300_301delTG).
Protein change: p.Cys100fs; shifts the reading frame from cysteine 100.
Molecular consequence: frameshift variant.
Genome position (GRCh38, 1-based): chr9:109,149,658-109,149,659, CA deleted on the plus strand (TG on the coding strand, the reverse complement: FRRS1L is on the minus strand); deleting any 2 consecutive bases within chr9:109,149,658-109,149,661 gives the same sequence; the c. name uses the placement nearest the transcript's 3' end. VCF-style (leftmost placement, unchanged base first): chr9-109149657-CCA-C. GRCh37 (hg19) VCF-style: chr9-111911937-CCA-C.
Other names: short protein forms C100fs.
Identifiers: ClinVar variation 569279 (VCV000569279.7), dbSNP rs1564232243, ClinGen allele CA891842801.

ClinVar aggregate classification (germline): Pathogenic (1 of 4 stars; one submission).

Conditions:
Developmental and epileptic encephalopathy, 37 (DEE37). Also called: Epileptic encephalopathy, early infantile, 37. Identifiers: MedGen C4310770, MONDO:0014859, OMIM 616981.

Submission:

Labcorp Genetics (formerly Invitae), Labcorp
Classification: Pathogenic for Developmental and epileptic encephalopathy, 37. Last evaluated: 2023-08-17. Review status: criteria provided, single submitter. Criteria: Invitae Variant Classification Sherloc (09022015). Collection method: clinical testing. Allele origin: germline.
Comment: For these reasons, this variant has been classified as Pathogenic. ClinVar contains an entry for this variant (Variation ID: 569279). This variant has not been reported in the literature in individuals affected with FRRS1L-related conditions. This variant is not present in population databases (gnomAD no frequency). This sequence change creates a premature translational stop signal (p.Cys151Trpfs*4) in the FRRS1L gene. It is expected to result in an absent or disrupted protein product. Loss-of-function variants in FRRS1L are known to be pathogenic (PMID: 27236917).

Literature cited by the submitters: PubMed 27236917.